The following is an entry in ClinVar:

ClinVar aggregate classification (germline): Uncertain significance/Uncertain risk allele. Review status: criteria provided, multiple submitters, no conflicts (2 of 4 stars). 3 submissions from 3 submitters: Uncertain significance (2); Uncertain risk allele (1). Last evaluated 2025-02-21.

Conditions:
Maturity-onset diabetes of the young type 1. Also called: MODY type 1; Diabetes mellitus MODY type 1; MODY HNF4A related; HNF4A-Related Maturity-Onset Diabetes of the Young Type 1; MILD JUVENILE DIABETES MELLITUS; MODY, type I. Identifiers: Orphanet 552, MedGen C1852093, MONDO:0007452, OMIM 125850. Disease mechanism: loss of function.
Maturity-onset diabetes of the young (MODY). Also called: Maturity onset diabetes mellitus in young. Identifiers: Orphanet 552, MedGen C0342276, MONDO:0018911, HP:0004904.

Allele frequency attached by ClinVar (database versions not stated): gnomAD 0.00008 and 0.00009; TOPMed 0.00008.
gnomAD v4.1: 88 of 1,259,794 alleles (0.007%); highest among the groups gnomAD compares: Non-Finnish European, 0.009%; no homozygotes.

Submissions (3):

Clinical Genomics Laboratory, Washington University in St. Louis
Classification: Uncertain significance for Maturity-onset diabetes of the young type 1. Last evaluated: 2025-02-21. Review status: criteria provided, single submitter. Criteria: ACMG Guidelines, 2015. Collection method: clinical testing. Allele origin: germline.
Comment: An HNF4A c.-83C>T variant was identified in a heterozygous state within the 5'-UTR region of the gene. This variant, to our knowledge, has not been reported in the medical literature. It is only observed on 5/31,390 alleles in the general population (gnomAD v.2.1.1). This variant has been reported in the ClinVar database as a variant of uncertain clinical significance by one submitter (ClinVar ID: 435434). Due to limited information, and based on the ACMG/AMP guidelines for variant interpretation (Richards S et al., PMID: 25741868), the clinical significance of the HNF4A c.-83C>T variant is uncertain at this time.

Genetic Services Laboratory, University of Chicago
Classification: Uncertain significance. Last evaluated: 2016-11-23. Review status: criteria provided, single submitter. Criteria: ACMG Guidelines, 2015. Collection method: clinical testing. Allele origin: germline. Affected: no.

Clinical Genomics, Uppaluri K&H Personalized Medicine Clinic
Classification: Uncertain risk allele for Maturity-onset diabetes of the young. Review status: criteria provided, single submitter. Criteria: K & H Uppaluri Personalized Medicine Clinic Variant Classification & Assertion Criteria_Updated V.1. Collection method: research. Allele origin: unknown. Inheritance: Autosomal dominant inheritance.
Comment: Potent mutations in HNF4A are associated with poor insulin secretion in response to hyperglycemia. Associated with MODY1. Patients initially respond well to sulfonylureas but eventually become insulin dependent. However, more evidence is required to ascertain the role of this particular variant rs879092890 in MODY, yet.

Literature cited by the submitters: DOI 10.1159/000334532 (cited by Clinical Genomics, Uppaluri K&H Personalized Medicine Clinic); PubMed 18268044 (cited by Clinical Genomics, Uppaluri K&H Personalized Medicine Clinic); PubMed 17563455 (cited by Clinical Genomics, Uppaluri K&H Personalized Medicine Clinic); PubMed 32583173 (cited by Clinical Genomics, Uppaluri K&H Personalized Medicine Clinic); PubMed 35052457 (cited by Clinical Genomics, Uppaluri K&H Personalized Medicine Clinic); PubMed 35118593 (cited by Clinical Genomics, Uppaluri K&H Personalized Medicine Clinic).

NM_175914.5(HNF4A):c.-83C>T

Gene: HNF4A (hepatocyte nuclear factor 4 alpha; plus strand). Cytogenetic location: 20q13.12.
Variant type: single nucleotide variant.
Coding change: c.-83C>T on transcript NM_175914.5 (MANE Select); 83 bases upstream of the start codon, C replaced by T.
Molecular consequence: 5 prime UTR variant.
Genome position (GRCh38, 1-based): chr20:44,355,722, C>T. VCF-style: chr20-44355722-C-T. GRCh37 (hg19) VCF-style: chr20-42984362-C-T.
Other names: c.-83C>T (NM_001030003.3, NM_001030004.3); c.-314C>T (NM_001287182.2, NM_001287183.2, NM_001287184.2).
Identifiers: ClinVar variation 435434 (VCV000435434.8), dbSNP rs879092890, ClinGen allele CA315390587.